The following is an entry in ClinVar:

ClinVar aggregate classification (germline): Pathogenic (1 of 4 stars; one submission).

Conditions:
beta Thalassemia (BTHAL). Also called: Cooley's anemia; Erythroblastic anemia; Mediterranean anemia. Identifiers: Orphanet 848, MedGen C0005283, MONDO:0019402. Disease mechanism: loss of function.

Submission:

Women's Health and Genetics/Laboratory Corporation of America, LabCorp
Classification: Pathogenic for beta Thalassemia. Last evaluated: 2025-02-14. Review status: criteria provided, single submitter. Criteria: LabCorp Variant Classification Summary - May 2015. Collection method: clinical testing. Allele origin: germline.
Comment: Variant summary: The variant involves the deletion of exon 3 (i.e. the last exon) in the HBB gene. A presumed nomenclature of c.316-149_*343del621 has been designated for the purposes of this classification. As it encompasses the termination codon, it is predicted to escape nonsense mediated decay (NMD). The variant was absent in 120336 control chromosomes in the gnomAD database (Structural Variants v4.0 dataset). A similar exon 3 deletion, commonly referred to as the 619 bp deletion (Asian Indian deletion), has been reported in the literature in multiple individuals affected with Beta Thalassemia (e.g. Orkin_1979, Baysal_1994). These data indicate that the variant is very likely to be associated with disease. To our knowledge, no experimental evidence demonstrating an impact on protein function has been reported. The following publications have been ascertained in the context of this evaluation (PMID: 7928376, 287080). ClinVar contains an entry for a similar variant (Variation ID: 862436). Based on the evidence outlined above, the variant was classified as pathogenic.

Literature cited by the submitters: PubMed 7928376; PubMed 287080.

NC_000011.10:g.5225255_5225875del

Genes: HBB (hemoglobin subunit beta; minus strand), LOC107133510 (origin of replication at HBB; plus strand), LOC110006319 (beta-globin gene 3' regulatory region; plus strand). Cytogenetic location: 11p15.4.
Variant type: Deletion.
Genome position: GRCh38: chr11:5,225,255-5,225,875. GRCh37 (hg19): chr11:5,246,485-5,247,105.
Identifiers: ClinVar variation 3769040 (VCV003769040.1).